The following is an entry in ClinVar:

NM_003242.6(TGFBR2):c.869A>G (p.Glu290Gly)

Gene: TGFBR2 (transforming growth factor beta receptor 2; plus strand). Cytogenetic location: 3p24.1.
Variant type: single nucleotide variant.
Coding change: c.869A>G on transcript NM_003242.6 (MANE Select); coding-DNA position 869, A replaced by G.
Protein change: p.Glu290Gly; replaces glutamic acid 290 with glycine.
Molecular consequence: missense variant.
Genome position (GRCh38, 1-based): chr3:30,672,052, A>G. VCF-style: chr3-30672052-A-G. GRCh37 (hg19) VCF-style: chr3-30713544-A-G.
Other names: c.944A>G, p.Glu315Gly (NM_001024847.3); c.1052A>G, p.Glu351Gly (NM_001407126.1); c.977A>G, p.Glu326Gly (NM_001407127.1); c.896A>G, p.Glu299Gly (NM_001407128.1); c.872A>G, p.Glu291Gly (NM_001407129.1); c.869A>G, p.Glu290Gly (NM_001407130.1); c.764A>G, p.Glu255Gly (NM_001407132.1, NM_001407133.1, NM_001407134.1 and 2 more transcripts); c.584A>G, p.Glu195Gly (NM_001407137.1); and 1 more; short protein forms E290G, E315G, E170G, E195G, E291G, E326G, E351G, E255G.
Identifiers: ClinVar variation 642964 (VCV000642964.7), dbSNP rs1575157782, ClinGen allele CA351808053.

ClinVar aggregate classification (germline): Conflicting classifications of pathogenicity. Review status: criteria provided, conflicting classifications (1 of 4 stars). 2 submissions from 2 submitters: Likely pathogenic (1); Uncertain significance (1). Last evaluated 2024-10-04.

Conditions:
Familial thoracic aortic aneurysm and aortic dissection (TAAD). Also called: Thoracic aortic aneurysms and dissections. Identifiers: Orphanet 91387, MedGen C4707243, MONDO:0019625.

Submissions (2):

Ambry Genetics
Classification: Uncertain significance for Familial thoracic aortic aneurysm and aortic dissection. Last evaluated: 2024-10-04. Review status: criteria provided, single submitter. Criteria: Ambry Variant Classification Scheme 2023. Collection method: clinical testing. Allele origin: germline.
Comment: The p.E290G variant (also known as c.869A>G), located in coding exon 4 of the TGFBR2 gene, results from an A to G substitution at nucleotide position 869. The glutamic acid at codon 290 is replaced by glycine, an amino acid with similar properties. This amino acid position is conserved. In addition, this alteration is predicted to be deleterious by in silico analysis. Based on the available evidence, the clinical significance of this variant remains unclear.

Labcorp Genetics (formerly Invitae), Labcorp
Classification: Likely pathogenic for Familial thoracic aortic aneurysm and aortic dissection. Last evaluated: 2024-09-30. Review status: criteria provided, single submitter. Criteria: Invitae Variant Classification Sherloc (09022015). Collection method: clinical testing. Allele origin: germline.
Comment: This sequence change replaces glutamic acid, which is acidic and polar, with glycine, which is neutral and non-polar, at codon 290 of the TGFBR2 protein (p.Glu290Gly). This variant is not present in population databases (gnomAD no frequency). This missense change has been observed in individuals with aortic aneurysm and/or dissection (internal data). ClinVar contains an entry for this variant (Variation ID: 642964). Invitae Evidence Modeling incorporating data from in vitro experimental studies (internal data) indicates that this missense variant is expected to disrupt TGFBR2 function with a positive predictive value of 95%. In summary, the currently available evidence indicates that the variant is pathogenic, but additional data are needed to prove that conclusively. Therefore, this variant has been classified as Likely Pathogenic.